The following is an entry in ClinVar:

ClinVar aggregate classification (germline): Benign. Review status: criteria provided, multiple submitters, no conflicts (2 of 4 stars). 3 submissions from 3 submitters: Benign (2). 1 of the submissions does not count toward it. Last evaluated 2018-06-22.

Allele frequency attached by ClinVar (database versions not stated): 1000 Genomes Project 30x 0.37836; 1000 Genomes Project 0.38179; TOPMed 0.47748; gnomAD 0.49435; ESP Exome Variant Server 0.52416; gnomAD exomes 0.66257.
gnomAD v4.1: 1,042,126 of 1,613,850 alleles (65%); highest among the groups gnomAD compares: Non-Finnish European, 71%; 354,815 homozygotes.

Submissions (3):

GeneDx
Classification: Benign. Last evaluated: 2018-06-22. Review status: criteria provided, single submitter. Criteria: GeneDx Variant Classification Process June 2021. Collection method: clinical testing. Allele origin: germline. Affected: yes.

Breakthrough Genomics
Classification: Benign. Review status: criteria provided, single submitter. Criteria: ACMG Guidelines, 2015. Collection method: not provided. Allele origin: germline. Inheritance: Unknown mechanism. Affected: yes.

Genetic Services Laboratory, University of Chicago
Classification: Likely benign for AllHighlyPenetrant. Review status: no assertion criteria provided. Collection method: clinical testing. Allele origin: germline. Inheritance: Autosomal dominant inheritance. Not counted in ClinVar's aggregate classification.
Comment: Likely benign based on allele frequency in 1000 Genomes Project or ESP global frequency and its presence in a patient with a rare or unrelated disease phenotype. NOT Sanger confirmed.

NM_015080.4(NRXN2):c.2745C>T (p.Ile915=)

Gene: NRXN2 (neurexin 2; minus strand). Cytogenetic location: 11q13.1.
Variant type: single nucleotide variant.
Coding change: c.2745C>T on transcript NM_015080.4 (MANE Select); coding-DNA position 2745, C replaced by T.
Protein change: p.Ile915=; no amino-acid change (isoleucine 915 retained).
Molecular consequence: synonymous variant.
Genome position (GRCh38, 1-based): chr11:64,651,428, G>A on the plus strand (C>T on the coding strand, the complement: NRXN2 is on the minus strand). VCF-style: chr11-64651428-G-A. GRCh37 (hg19) VCF-style: chr11-64418900-G-A.
Other names: c.2745C>T, p.Ile915= (NM_001376262.1); c.2724C>T, p.Ile908= (NM_001376263.1, NM_001376267.1); c.2700C>T, p.Ile900= (NM_001376265.1); c.2721C>T, p.Ile907= (NM_001376266.1); c.2625C>T, p.Ile875= (NM_138732.3).
Identifiers: ClinVar variation 129833 (VCV000129833.9), dbSNP rs526338, ClinGen allele CA154156.